The following is an entry in ClinVar:

NM_003743.5(NCOA1):c.3086G>A (p.Arg1029Gln)

Gene: NCOA1 (nuclear receptor coactivator 1; plus strand). Cytogenetic location: 2p23.3.
Variant type: single nucleotide variant.
Coding change: c.3086G>A on transcript NM_003743.5 (MANE Select); coding-DNA position 3086, G replaced by A.
Protein change: p.Arg1029Gln; replaces arginine 1029 with glutamine.
Molecular consequence: missense variant.
Genome position (GRCh38, 1-based): chr2:24,729,700, G>A. VCF-style: chr2-24729700-G-A. GRCh37 (hg19) VCF-style: chr2-24952569-G-A.
Other names: c.3086G>A, p.Arg1029Gln (NM_001362950.1, NM_001362952.1, NM_001362954.1 and 3 more transcripts); short protein forms R1029Q.
Identifiers: ClinVar variation 4977699 (VCV004977699.1).

ClinVar aggregate classification (germline): Uncertain significance (1 of 4 stars; one submission).

Conditions:
NCOA1-related disorder. Also called: NCOA1-related condition.

gnomAD v4.1: 39 of 1,614,140 alleles (0.0024%); highest among the groups gnomAD compares: East Asian, 0.078%; 1 homozygote.

Submission:

PreventionGenetics, part of Exact Sciences
Classification: Uncertain significance for NCOA1-related condition. Last evaluated: 2026-09-15. Review status: criteria provided, single submitter. Criteria: ACMG Guidelines, 2015. Collection method: clinical testing. Allele origin: germline.
Comment: The NCOA1 c.3086G>A variant is predicted to result in the amino acid substitution p.Arg1029Gln. To our knowledge, this variant has not been reported in the literature. This variant is reported in 0.016% of alleles in individuals of East Asian descent in gnomAD. At this time, the clinical significance of this variant is uncertain due to the absence of conclusive functional and genetic evidence.